The following is an entry in ClinVar:

NM_001082971.2(DDC):c.206C>T (p.Thr69Met)

Genes: DDC (dopa decarboxylase; minus strand), DDC-AS1 (DDC antisense RNA 1; plus strand). Cytogenetic location: 7p12.1.
Variant type: single nucleotide variant.
Coding change: c.206C>T on transcript NM_001082971.2 (MANE Select); coding-DNA position 206, C replaced by T.
Protein change: p.Thr69Met; replaces threonine 69 with methionine.
Molecular consequence: missense variant. On other transcripts: non-coding transcript variant (1), intron variant (2).
Genome position (GRCh38, 1-based): chr7:50,540,024, G>A on the plus strand (C>T on the coding strand, the complement: DDC is on the minus strand). VCF-style: chr7-50540024-G-A. GRCh37 (hg19) VCF-style: chr7-50607722-G-A.
Other names: c.206C>T, p.Thr69Met (NM_000790.4, NM_001242887.2, NM_001242889.2 and 1 more transcripts); c.201+3861C>T (NM_001242888.2); c.202-2045C>T (NM_001242886.2); c.206C>T (NM_000790.3); short protein forms T69M.
Identifiers: ClinVar variation 1057684 (VCV001057684.14), dbSNP rs777956037, ClinGen allele CA4262447.

ClinVar aggregate classification (germline): Pathogenic/Likely pathogenic. Review status: criteria provided, multiple submitters, no conflicts (2 of 4 stars). 5 submissions from 5 submitters: Pathogenic (4); Likely pathogenic (1). Last evaluated 2025-06-10.

Conditions:
Deficiency of aromatic-L-amino-acid decarboxylase. Also called: Aromatic L-Amino Acid Decarboxylase Deficiency; Aromatic amino acid decarboxylase deficiency; AADC DEFICIENCY; DDC DEFICIENCY; DOPA DECARBOXYLASE DEFICIENCY. Identifiers: Orphanet 35708, MedGen C1291564, MONDO:0012084, OMIM 608643.

Allele frequency attached by ClinVar (database versions not stated): gnomAD exomes 0.00001 and 0.00002; gnomAD 0.00002; ExAC 0.00004.
gnomAD v4.1: 23 of 1,611,738 alleles (0.0014%); highest among the groups gnomAD compares: South Asian, 0.0077%; no homozygotes.

Submissions (5):

Revvity Omics, Revvity
Classification: Likely pathogenic for Deficiency of aromatic-L-amino-acid decarboxylase. Last evaluated: 2025-06-10. Review status: criteria provided, single submitter. Criteria: ACMG Guidelines, 2015. Collection method: clinical testing. Allele origin: germline.

Labcorp Genetics (formerly Invitae), Labcorp
Classification: Pathogenic for Deficiency of aromatic-L-amino-acid decarboxylase. Last evaluated: 2024-10-23. Review status: criteria provided, single submitter. Criteria: Invitae Variant Classification Sherloc (09022015). Collection method: clinical testing. Allele origin: germline.
Comment: This sequence change replaces threonine, which is neutral and polar, with methionine, which is neutral and non-polar, at codon 69 of the DDC protein (p.Thr69Met). This variant is present in population databases (rs777956037, gnomAD 0.01%). This missense change has been observed in individual(s) with aromatic L-amino acid decarboxylase deficiency (PMID: 20505134, 31849064). ClinVar contains an entry for this variant (Variation ID: 1057684). Invitae Evidence Modeling of protein sequence and biophysical properties (such as structural, functional, and spatial information, amino acid conservation, physicochemical variation, residue mobility, and thermodynamic stability) indicates that this missense variant is expected to disrupt DDC protein function with a positive predictive value of 80%. Experimental studies are conflicting or provide insufficient evidence to determine the effect of this variant on DDC function (PMID: 24865461). For these reasons, this variant has been classified as Pathogenic.

Genomic Medicine Center of Excellence, King Faisal Specialist Hospital and Research Centre
Classification: Pathogenic for Deficiency of aromatic-L-amino-acid decarboxylase. Last evaluated: 2024-09-22. Review status: criteria provided, single submitter. Criteria: ACMG Guidelines, 2015. Collection method: clinical testing. Allele origin: germline.

Fulgent Genetics
Classification: Pathogenic for Deficiency of aromatic-L-amino-acid decarboxylase. Last evaluated: 2024-04-16. Review status: criteria provided, single submitter. Criteria: ACMG Guidelines, 2015. Collection method: clinical testing. Allele origin: germline.

Women's Health and Genetics/Laboratory Corporation of America, LabCorp
Classification: Pathogenic for Deficiency of aromatic-L-amino-acid decarboxylase. Last evaluated: 2024-04-12. Review status: criteria provided, single submitter. Criteria: LabCorp Variant Classification Summary - May 2015. Collection method: clinical testing. Allele origin: germline.
Comment: Variant summary: DDC c.206C>T (p.Thr69Met) results in a non-conservative amino acid change in the encoded protein sequence. Five of five in-silico tools predict a damaging effect of the variant on protein function. The variant allele was found at a frequency of 1.6e-05 in 248168 control chromosomes. c.206C>T has been reported in the literature in multiple homozygous and compound heterozygous individuals affected with Deficiency Of Aromatic-L-Amino-Acid Decarboxylase (e.g. Brennenstuhl_2020, Yubero_2016, Manegold_2009, Pearson_2020, Abukhaled_2023). These data indicate that the variant is likely to be associated with disease. At least one publication reports experimental evidence evaluating an impact on protein function. The most pronounced variant effect results in enzyme activity <10% of normal activity in vitro (e.g. Manegold_2009). The following publications have been ascertained in the context of this evaluation (PMID: 36727005, 32675002, 19172410, 31130284, 32369189, 27243974). ClinVar contains an entry for this variant (Variation ID: 1057684). Based on the evidence outlined above, the variant was classified as pathogenic.

Literature cited by the submitters: PubMed 20505134 (cited by Labcorp Genetics (formerly Invitae), Labcorp); PubMed 31849064 (cited by Labcorp Genetics (formerly Invitae), Labcorp); PubMed 24865461 (cited by Labcorp Genetics (formerly Invitae), Labcorp); PubMed 27243974 (cited by Women's Health and Genetics/Laboratory Corporation of America, LabCorp); PubMed 31130284 (cited by Women's Health and Genetics/Laboratory Corporation of America, LabCorp); PubMed 32369189 (cited by Women's Health and Genetics/Laboratory Corporation of America, LabCorp); PubMed 36727005 (cited by Women's Health and Genetics/Laboratory Corporation of America, LabCorp); PubMed 32675002 (cited by Women's Health and Genetics/Laboratory Corporation of America, LabCorp); PubMed 19172410 (cited by Women's Health and Genetics/Laboratory Corporation of America, LabCorp).